The following is an entry in ClinVar:

NC_000005.10:g.(?_177235801)_(177239885_?)del

Gene: NSD1 (nuclear receptor binding SET domain protein 1; plus strand). Cytogenetic location: 5q35.3.
Variant type: Deletion.
Identifiers: ClinVar variation 583767 (VCV000583767.8).

ClinVar aggregate classification (germline): Pathogenic. Review status: criteria provided, single submitter (1 of 4 stars). 2 submissions from 1 submitter: Pathogenic (2). Last evaluated 2019-02-21.

Conditions:
Sotos syndrome (SOTOS). Also called: CHROMOSOME 5q35 DELETION SYNDROME; CEREBRAL GIGANTISM; Sotos' syndrome; SOTOS SYNDROME 1; Distinctive facial appearance, overgrowth in childhood, and learning disabilities or delayed development. Identifiers: Orphanet 821, MedGen C0175695, MONDO:0019349, OMIM 117550.
Beckwith-Wiedemann syndrome (BWS). Also called: Exomphalos macroglossia gigantism syndrome; EMG SYNDROME. Identifiers: Orphanet 116, MedGen C0004903, MONDO:0007534, OMIM 130650.

Submissions (2):

Labcorp Genetics (formerly Invitae), Labcorp
Classification: Pathogenic for Beckwith-Wiedemann syndrome. Last evaluated: 2019-02-21. Review status: criteria provided, single submitter. Criteria: Invitae Variant Classification Sherloc (09022015). Collection method: clinical testing. Allele origin: germline.
Comment: This variant is an out-of-frame deletion of the genomic region encompassing exons 6 to 8 of the NSD1 gene. This is expected to create a premature translational stop signal and result in an absent or disrupted protein product. This variant has not been reported in the literature in individuals with NSD1-related disease. Loss-of-function variants in NSD1 are known to be pathogenic (PMID: 12464997, 14571271, 15942875, 16247291). For these reasons, this variant has been classified as Pathogenic.

Labcorp Genetics (formerly Invitae), Labcorp
Classification: Pathogenic. Last evaluated: 2019-02-18. Review status: criteria provided, single submitter. Criteria: Invitae Variant Classification Sherloc (09022015). Collection method: clinical testing. Allele origin: germline.
Comment: the same text as in the submission from Labcorp Genetics (formerly Invitae), Labcorp above.

Literature cited by the submitters: PubMed 12464997; PubMed 14571271; PubMed 15942875; PubMed 16247291.